The following is an entry in ClinVar:

NM_017636.4(TRPM4):c.2295dup (p.Arg766fs)

Gene: TRPM4 (transient receptor potential cation channel subfamily M member 4; plus strand). Cytogenetic location: 19q13.33.
Variant type: Duplication.
Coding change: c.2295dup on transcript NM_017636.4 (MANE Select); coding-DNA position 2295, one base duplicated (G; older notation c.2295dupG).
Protein change: p.Arg766fs; shifts the reading frame from arginine 766.
Molecular consequence: frameshift variant. On other transcripts: intron variant (1).
Genome position (GRCh38, 1-based): chr19:49,196,524, G duplicated; the last of 6 consecutive G bases (chr19:49,196,519-49,196,524); duplicating any one gives the same sequence. VCF-style (leftmost placement, unchanged base first): chr19-49196518-C-CG. GRCh37 (hg19) VCF-style: chr19-49699775-C-CG.
Other names: c.1950dup, p.Arg651fs (NM_001321281.2); c.687dup, p.Arg230fs (NM_001321282.2); c.1773dup, p.Arg592fs (NM_001321283.2); c.1233dup, p.Arg412fs (NM_001321285.2); c.2211-3776dup (NM_001195227.2); c.2295dupG (NM_017636.3); c.2295dup (NM_017636.3); short protein forms R230fs, R412fs, R592fs, R651fs, R766fs.
Identifiers: ClinVar variation 1020801 (VCV001020801.14), dbSNP rs748307155, ClinGen allele CA9569525.

ClinVar aggregate classification (germline): Uncertain significance. Review status: criteria provided, multiple submitters, no conflicts (2 of 4 stars). 4 submissions from 4 submitters: Uncertain significance (4). Last evaluated 2026-03-27.

Conditions:
Cardiovascular phenotype. Identifiers: MedGen CN230736.
Progressive familial heart block type IB (PFHB1B). Identifiers: Orphanet 871, MedGen C1970298, MONDO:0011474, OMIM 604559.

Submissions (4):

Molecular Diagnostic Laboratory for Inherited Cardiovascular Disease, Montreal Heart Institute
Classification: Uncertain significance for Cardiovascular phenotype. Last evaluated: 2026-03-27. Review status: criteria provided, single submitter. Criteria: ACMG Guidelines, 2015. Collection method: clinical testing. Allele origin: germline. Affected: yes.
Comment: PVS1_supp

Labcorp Genetics (formerly Invitae), Labcorp
Classification: Uncertain significance for Progressive familial heart block type IB. Last evaluated: 2025-11-13. Review status: criteria provided, single submitter. Criteria: Invitae Variant Classification Sherloc (09022015). Collection method: clinical testing. Allele origin: germline.
Comment: This sequence change creates a premature translational stop signal (p.Arg766Alafs*193) in the TRPM4 gene. It is expected to result in an absent or disrupted protein product. However, the current clinical and genetic evidence is not sufficient to establish whether loss-of-function variants in TRPM4 cause disease. The frequency data for this variant in the population databases is considered unreliable, as metrics indicate poor data quality at this position in the gnomAD database. This premature translational stop signal has been observed in individual(s) with atrial fibrillation (PMID: 34495297). ClinVar contains an entry for this variant (Variation ID: 1020801). In summary, the available evidence is currently insufficient to determine the role of this variant in disease. Therefore, it has been classified as a Variant of Uncertain Significance.

GeneDx
Classification: Uncertain significance. Last evaluated: 2024-11-01. Review status: criteria provided, single submitter. Criteria: GeneDx Variant Classification Process June 2021. Collection method: clinical testing. Allele origin: germline. Affected: yes.
Comment: Not observed in large population cohorts (gnomAD); Frameshift variant predicted to result in protein truncation or nonsense mediated decay in a gene or region of a gene for which loss of function is not a well-established mechanism of disease; This variant is associated with the following publications: (PMID: 34495297)

Ambry Genetics
Classification: Uncertain significance for Cardiovascular phenotype. Last evaluated: 2024-06-26. Review status: criteria provided, single submitter. Criteria: Ambry Variant Classification Scheme 2023. Collection method: clinical testing. Allele origin: germline.
Comment: The c.2295dupG variant, located in coding exon 17 of the TRPM4 gene, results from a duplication of G at nucleotide position 2295, causing a translational frameshift with a predicted alternate stop codon (p.R766Afs*193). This variant has been detected in an early onset atrial fibrillation cohort; however, details were limited (Yoneda ZT et al. JAMA Cardiol. 2021 Dec;6(12):1371-1379). This alteration is expected to result in protein truncation or nonsense-mediated mRNA decay. However, loss of function of TRPM4 has not been established as a mechanism of disease. Based on the available evidence, the clinical significance of this variant remains unclear.

Literature cited by the submitters: PubMed 34495297 (cited by Labcorp Genetics (formerly Invitae), Labcorp and Ambry Genetics); PubMed 38534782 (cited by Ambry Genetics).